The following is an entry in ClinVar:

ClinVar aggregate classification (germline): Uncertain significance (1 of 4 stars; one submission).

Allele frequency attached by ClinVar (database versions not stated): gnomAD exomes below 0.00001.
gnomAD v4.1: 3 of 1,607,510 alleles (0.00019%); highest among the groups gnomAD compares: Non-Finnish European, 0.00017%; no homozygotes.

Submission:

GeneDx
Classification: Uncertain significance. Last evaluated: 2026-08-27. Review status: criteria provided, single submitter. Criteria: GeneDx Variant Classification Process June 2021. Collection method: clinical testing. Allele origin: germline.
Comment: Not observed at significant frequency in large population cohorts (gnomAD); In silico analysis suggests that this missense variant does not alter protein structure/function; Has not been previously published as pathogenic or benign to our knowledge

NM_001277115.2(DNAH11):c.3691A>G (p.Thr1231Ala)

Gene: DNAH11 (dynein axonemal heavy chain 11; plus strand). Cytogenetic location: 7p15.3.
Variant type: single nucleotide variant.
Coding change: c.3691A>G on transcript NM_001277115.2 (MANE Select); coding-DNA position 3691, A replaced by G.
Protein change: p.Thr1231Ala; replaces threonine 1231 with alanine.
Molecular consequence: missense variant.
Genome position (GRCh38, 1-based): chr7:21,606,468, A>G. VCF-style: chr7-21606468-A-G. GRCh37 (hg19) VCF-style: chr7-21646086-A-G.
Other names: c.3691A>G, p.Thr1231Ala (NM_003777.3); short protein forms T1231A.
Identifiers: ClinVar variation 1810019 (VCV001810019.2), dbSNP rs1043600778, ClinGen allele CA155091183.